The following is an entry in ClinVar:

NM_001242896.3(DEPDC5):c.1310del (p.Asn437fs)

Gene: DEPDC5 (DEP domain containing 5, GATOR1 subcomplex subunit; plus strand). Cytogenetic location: 22q12.3.
Variant type: Deletion.
Coding change: c.1310del on transcript NM_001242896.3 (MANE Select); coding-DNA position 1310, one base deleted (A; older notation c.1310delA).
Protein change: p.Asn437fs; shifts the reading frame from asparagine 437.
Molecular consequence: frameshift variant. On other transcripts: non-coding transcript variant (5).
Genome position (GRCh38, 1-based): chr22:31,809,633, A deleted; the last of 6 consecutive A bases (chr22:31,809,628-31,809,633); deleting any one gives the same sequence. VCF-style (leftmost placement, unchanged base first): chr22-31809627-CA-C. GRCh37 (hg19) VCF-style: chr22-32205613-CA-C.
Other names: c.1310del, p.Asn437fs (NM_001007188.4, NM_001136029.4, NM_001242897.2 and 7 more transcripts); c.1226del, p.Asn409fs (NM_001369901.1, NM_001369902.1); short protein forms N409fs, N437fs.
Identifiers: ClinVar variation 985192 (VCV000985192.4), dbSNP rs2088008490, ClinGen allele CA514260959.

ClinVar aggregate classification (germline): Pathogenic. Review status: criteria provided, multiple submitters, no conflicts (2 of 4 stars). 2 submissions from 2 submitters: Pathogenic (2). Last evaluated 2025-02-12.

Conditions:
Familial focal epilepsy with variable foci (FPEVF). Identifiers: Orphanet 98820, MedGen C1858477, MONDO:0020310.
Inborn genetic diseases. Identifiers: MedGen C0950123, MeSH D030342.

Submissions (2):

Labcorp Genetics (formerly Invitae), Labcorp
Classification: Pathogenic for Familial focal epilepsy with variable foci. Last evaluated: 2025-02-12. Review status: criteria provided, single submitter. Criteria: Invitae Variant Classification Sherloc (09022015). Collection method: clinical testing. Allele origin: germline.
Comment: This sequence change creates a premature translational stop signal (p.Asn437Metfs*21) in the DEPDC5 gene. It is expected to result in an absent or disrupted protein product. Loss-of-function variants in DEPDC5 are known to be pathogenic (PMID: 23542697, 23542701). This variant is not present in population databases (gnomAD no frequency). This premature translational stop signal has been observed in individual(s) with autosomal dominant focal seizure (PMID: 30093711). ClinVar contains an entry for this variant (Variation ID: 985192). For these reasons, this variant has been classified as Pathogenic.

Ambry Genetics
Classification: Pathogenic for Inborn genetic diseases. Last evaluated: 2019-09-09. Review status: criteria provided, single submitter. Criteria: Ambry exome assertion method (8-5-2015). Collection method: clinical testing. Allele origin: germline. Affected: yes. Observed: 1 variant allele.

Literature cited by the submitters: PubMed 23542697 (cited by Labcorp Genetics (formerly Invitae), Labcorp); PubMed 23542701 (cited by Labcorp Genetics (formerly Invitae), Labcorp); PubMed 30093711 (cited by Labcorp Genetics (formerly Invitae), Labcorp and Ambry Genetics).